The following is an entry in ClinVar:

NM_020338.4(ZMIZ1):c.1244A>G (p.Asn415Ser)

Gene: ZMIZ1 (zinc finger MIZ-type containing 1; plus strand). Cytogenetic location: 10q22.3.
Variant type: single nucleotide variant.
Coding change: c.1244A>G on transcript NM_020338.4 (MANE Select); coding-DNA position 1244, A replaced by G.
Protein change: p.Asn415Ser; replaces asparagine 415 with serine.
Molecular consequence: missense variant.
Genome position (GRCh38, 1-based): chr10:79,296,484, A>G. VCF-style: chr10-79296484-A-G. GRCh37 (hg19) VCF-style: chr10-81056241-A-G.
Other names: short protein forms N415S.
Identifiers: ClinVar variation 3364541 (VCV003364541.1).

ClinVar aggregate classification (germline): Uncertain significance (1 of 4 stars; one submission).

Submission:

GeneDx
Classification: Uncertain significance. Last evaluated: 2023-11-20. Review status: criteria provided, single submitter. Criteria: GeneDx Variant Classification Process June 2021. Collection method: clinical testing. Allele origin: germline. Affected: yes.
Comment: Not observed at significant frequency in large population cohorts (gnomAD); In silico analysis supports that this missense variant does not alter protein structure/function; Has not been previously published as pathogenic or benign to our knowledge